The following is an entry in ClinVar:

NM_004565.3(PEX14):c.990G>T (p.Glu330Asp)

Gene: PEX14 (peroxisomal biogenesis factor 14; plus strand). Cytogenetic location: 1p36.22.
Variant type: single nucleotide variant.
Coding change: c.990G>T on transcript NM_004565.3 (MANE Select); coding-DNA position 990, G replaced by T.
Protein change: p.Glu330Asp; replaces glutamic acid 330 with aspartic acid.
Molecular consequence: missense variant.
Genome position (GRCh38, 1-based): chr1:10,629,843, G>T. VCF-style: chr1-10629843-G-T. GRCh37 (hg19) VCF-style: chr1-10689900-G-T.
Other names: short protein forms E330D.
Identifiers: ClinVar variation 646727 (VCV000646727.7), dbSNP rs145761201, ClinGen allele CA584013.

ClinVar aggregate classification (germline): Uncertain significance. Review status: criteria provided, multiple submitters, no conflicts (2 of 4 stars). 2 submissions from 2 submitters: Uncertain significance (2). Last evaluated 2024-11-11.

Conditions:
Inborn genetic diseases. Identifiers: MedGen C0950123, MeSH D030342.
Peroxisome biogenesis disorder, complementation group K (CGK). Identifiers: MedGen C1866257, MONDO:0800365.

Allele frequency attached by ClinVar (database versions not stated): ExAC 0.00004; gnomAD 0.00004 and 0.00005; TOPMed 0.00004; ESP Exome Variant Server 0.00008.
gnomAD v4.1: 25 of 1,607,548 alleles (0.0016%); highest among the groups gnomAD compares: African/African-American, 0.011%; no homozygotes.

Submissions (2):

Labcorp Genetics (formerly Invitae), Labcorp
Classification: Uncertain significance for Peroxisome biogenesis disorder, complementation group K. Last evaluated: 2024-11-11. Review status: criteria provided, single submitter. Criteria: Invitae Variant Classification Sherloc (09022015). Collection method: clinical testing. Allele origin: germline.
Comment: This sequence change replaces glutamic acid, which is acidic and polar, with aspartic acid, which is acidic and polar, at codon 330 of the PEX14 protein (p.Glu330Asp). This variant is present in population databases (rs145761201, gnomAD 0.02%). This variant has not been reported in the literature in individuals affected with PEX14-related conditions. ClinVar contains an entry for this variant (Variation ID: 646727). Invitae Evidence Modeling of protein sequence and biophysical properties (such as structural, functional, and spatial information, amino acid conservation, physicochemical variation, residue mobility, and thermodynamic stability) indicates that this missense variant is not expected to disrupt PEX14 protein function with a negative predictive value of 80%. In summary, the available evidence is currently insufficient to determine the role of this variant in disease. Therefore, it has been classified as a Variant of Uncertain Significance.

Ambry Genetics
Classification: Uncertain significance for Inborn genetic diseases. Last evaluated: 2022-02-10. Review status: criteria provided, single submitter. Criteria: Ambry Variant Classification Scheme 2023. Collection method: clinical testing. Allele origin: germline.